The following is an entry in ClinVar:

ClinVar aggregate classification (germline): Uncertain significance. Review status: criteria provided, multiple submitters, no conflicts (2 of 4 stars). 2 submissions from 2 submitters: Uncertain significance (2). Last evaluated 2024-08-28.

Conditions:
Cardiovascular phenotype. Identifiers: MedGen CN230736.

gnomAD v4.1: 1 of 1,520,948 alleles (0.000066%); highest among the groups gnomAD compares: Non-Finnish European, 0.000088%; no homozygotes.

Submissions (2):

Ambry Genetics
Classification: Uncertain significance for Cardiovascular phenotype. Last evaluated: 2024-08-28. Review status: criteria provided, single submitter. Criteria: Ambry Variant Classification Scheme 2023. Collection method: clinical testing. Allele origin: germline.
Comment: The p.D10N variant (also known as c.28G>A), located in coding exon 1 of the RBM20 gene, results from a G to A substitution at nucleotide position 28. The aspartic acid at codon 10 is replaced by asparagine, an amino acid with highly similar properties. This amino acid position is conserved. In addition, this alteration is predicted to be tolerated by in silico analysis. Based on the available evidence, the clinical significance of this variant remains unclear.

Blueprint Genetics
Classification: Uncertain significance. Last evaluated: 2023-09-08. Review status: criteria provided, single submitter. Criteria: ACMG Guidelines, 2015. Collection method: clinical testing. Allele origin: germline.

NM_001134363.3(RBM20):c.28G>A (p.Asp10Asn)

Gene: RBM20 (RNA binding motif protein 20; plus strand). Cytogenetic location: 10q25.2.
Variant type: single nucleotide variant.
Coding change: c.28G>A on transcript NM_001134363.3 (MANE Select); coding-DNA position 28, G replaced by A.
Protein change: p.Asp10Asn; replaces aspartic acid 10 with asparagine.
Molecular consequence: missense variant.
Genome position (GRCh38, 1-based): chr10:110,644,482, G>A. VCF-style: chr10-110644482-G-A. GRCh37 (hg19) VCF-style: chr10-112404240-G-A.
Other names: short protein forms D10N.
Identifiers: ClinVar variation 3431233 (VCV003431233.2).